The following is an entry in ClinVar:

ClinVar aggregate classification (germline): Likely benign (1 of 4 stars; one submission).

Submission:

CeGaT Center for Human Genetics Tuebingen
Classification: Likely benign. Last evaluated: 2025-11-01. Review status: criteria provided, single submitter. Criteria: CeGaT Center For Human Genetics Tuebingen Variant Classification Criteria Version 2. Collection method: clinical testing. Allele origin: germline. Affected: yes. Observed: 1 variant allele.
Comment: MUC4: BP4, BP7

NM_018406.7(MUC4):c.4212T>A (p.Gly1404=)

Gene: MUC4 (mucin 4, cell surface associated). Cytogenetic location: 3q29.
Variant type: single nucleotide variant.
Coding change: c.4212T>A on transcript NM_018406.7 (MANE Select); coding-DNA position 4212, T replaced by A.
Protein change: p.Gly1404=; no amino-acid change (glycine 1404 retained).
Molecular consequence: synonymous variant. On other transcripts: intron variant (2).
Genome position (GRCh38, 1-based): chr3:195,787,368, A>T on the plus strand (T>A on the coding strand, the complement: MUC4 is on the minus strand). VCF-style: chr3-195787368-A-T. GRCh37 (hg19) VCF-style: chr3-195514239-A-T.
Other names: c.83-13063T>A (NM_138297.5); c.83-8913T>A (NM_004532.6).
Identifiers: ClinVar variation 4534152 (VCV004534152.6).
Genomic context (GRCh38, chr3:195,787,368, plus strand): 5'-AGGGGTGGCGTGTCCTGTGGATGCTGAGGAAGTGTCGGTGACAAGAAGAGGGGTGGCGTG[A>T]CCTGTGGATGCTGAGGAAGGGCTAGTGACAGGAAGAGGCGTGGTGTCACCTGTGGATACT-3'
Protein context (NP_060876.5, residues 1394-1414): PVTSPSSAST[Gly1404=]HATPLLVTDT